The following is an entry in ClinVar:

ClinVar aggregate classification (germline): Uncertain significance (1 of 4 stars; one submission).

Conditions:
Cystic fibrosis (CF). Also called: MUCOVISCIDOSIS. Identifiers: Orphanet 586, MedGen C0010674, MONDO:0009061, OMIM 219700. Disease mechanism: loss of function.

Submission:

Ambry Genetics
Classification: Uncertain significance for Cystic fibrosis. Last evaluated: 2025-06-26. Review status: criteria provided, single submitter. Criteria: Ambry Variant Classification Scheme 2023. Collection method: clinical testing. Allele origin: germline.
Comment: The p.K1292N variant (also known as c.3876A>C), located in coding exon 24 of the CFTR gene, results from an A to C substitution at nucleotide position 3876. The lysine at codon 1292 is replaced by asparagine, an amino acid with similar properties. This amino acid position is conserved. In addition, the in silico prediction for this alteration is inconclusive. Based on the available evidence, the clinical significance of this variant remains unclear.

NM_000492.4(CFTR):c.3876A>C (p.Lys1292Asn)

Gene: CFTR (CF transmembrane conductance regulator; plus strand). Cytogenetic location: 7q31.2.
Variant type: single nucleotide variant.
Coding change: c.3876A>C on transcript NM_000492.4 (MANE Select); coding-DNA position 3876, A replaced by C.
Protein change: p.Lys1292Asn; replaces lysine 1292 with asparagine.
Molecular consequence: missense variant.
Genome position (GRCh38, 1-based): chr7:117,652,844, A>C. VCF-style: chr7-117652844-A-C. GRCh37 (hg19) VCF-style: chr7-117292898-A-C.
Other names: short protein forms K1292N.
Identifiers: ClinVar variation 4227393 (VCV004227393.1).
Genomic context (GRCh38, chr7:117,652,844, plus strand): 5'-AAAATAAAAAGTTATTTAAGTTATTCATACTTTCTTCTTCTTTTCTTTTTTGCTATAGAA[A>C]GTATTTATTTTTTCTGGAACATTTAGAAAAAACTTGGATCCCTATGAACAGTGGAGTGAT-3'
Protein context (NP_000483.3, residues 1282-1302): WRKAFGVIPQ[Lys1292Asn]VFIFSGTFRK